The following is an entry in ClinVar:

ClinVar aggregate classification (germline): Uncertain significance (1 of 4 stars; one submission).

Conditions:
RYR1-related disorder. Also called: RYR1-related condition; RYR1-related disorders. Identifiers: MedGen CN239331.

Submission:

Labcorp Genetics (formerly Invitae), Labcorp
Classification: Uncertain significance for RYR1-related disorder. Last evaluated: 2025-10-10. Review status: criteria provided, single submitter. Criteria: Invitae Variant Classification Sherloc (09022015). Collection method: clinical testing. Allele origin: germline.
Comment: This sequence change replaces cysteine, which is neutral and slightly polar, with serine, which is neutral and polar, at codon 3891 of the RYR1 protein (p.Cys3891Ser). This variant is not present in population databases (gnomAD no frequency). This variant has not been reported in the literature in individuals affected with RYR1-related conditions. Invitae Evidence Modeling of protein sequence and biophysical properties (such as structural, functional, and spatial information, amino acid conservation, physicochemical variation, residue mobility, and thermodynamic stability) indicates that this missense variant is expected to disrupt RYR1 protein function with a positive predictive value of 80%. In summary, the available evidence is currently insufficient to determine the role of this variant in disease. Therefore, it has been classified as a Variant of Uncertain Significance.

NM_000540.3(RYR1):c.11672G>C (p.Cys3891Ser)

Gene: RYR1 (ryanodine receptor 1; plus strand). Cytogenetic location: 19q13.2.
Variant type: single nucleotide variant.
Coding change: c.11672G>C on transcript NM_000540.3 (MANE Select); coding-DNA position 11672, G replaced by C.
Protein change: p.Cys3891Ser; replaces cysteine 3891 with serine.
Molecular consequence: missense variant.
Genome position (GRCh38, 1-based): chr19:38,537,943, G>C. VCF-style: chr19-38537943-G-C. GRCh37 (hg19) VCF-style: chr19-39028583-G-C.
Other names: c.11657G>C, p.Cys3886Ser (NM_001042723.2); short protein forms C3886S, C3891S.
Identifiers: ClinVar variation 4810763 (VCV004810763.1).